The following is an entry in ClinVar:

ClinVar aggregate classification (germline): Uncertain significance. Review status: criteria provided, multiple submitters, no conflicts (2 of 4 stars). 2 submissions from 2 submitters: Uncertain significance (2). Last evaluated 2025-01-03.

Conditions:
Familial cancer of breast. Also called: BREAST CANCER, FAMILIAL; hereditary breast carcinoma; Hereditary breast cancer. Identifiers: Orphanet 227535, MedGen C0346153, MONDO:0016419, OMIM 114480. Disease mechanism: loss of function.
Fanconi anemia complementation group J. Also called: BRIP1-Related Fanconi Anemia. Identifiers: Orphanet 84, MedGen C1836860, MONDO:0012187, OMIM 609054.
Hereditary cancer-predisposing syndrome. Also called: Hereditary Cancer Syndrome; Neoplastic Syndromes, Hereditary; Tumor predisposition; Hereditary neoplastic syndrome. Identifiers: Orphanet 140162, MedGen C0027672, MeSH D009386, MONDO:0015356.

Submissions (2):

Ambry Genetics
Classification: Uncertain significance for Hereditary cancer-predisposing syndrome. Last evaluated: 2025-01-03. Review status: criteria provided, single submitter. Criteria: Ambry Variant Classification Scheme 2023. Collection method: clinical testing. Allele origin: germline.
Comment: The p.T484I variant (also known as c.1451C>T), located in coding exon 9 of the BRIP1 gene, results from a C to T substitution at nucleotide position 1451. The threonine at codon 484 is replaced by isoleucine, an amino acid with similar properties. This amino acid position is poorly conserved in available vertebrate species. In addition, this alteration is predicted to be tolerated by in silico analysis. Since supporting evidence is limited at this time, the clinical significance of this alteration remains unclear.

Labcorp Genetics (formerly Invitae), Labcorp
Classification: Uncertain significance for Familial cancer of breast; Fanconi anemia complementation group J. Last evaluated: 2021-11-12. Review status: criteria provided, single submitter. Criteria: Invitae Variant Classification Sherloc (09022015). Collection method: clinical testing. Allele origin: germline.
Comment: In summary, the available evidence is currently insufficient to determine the role of this variant in disease. Therefore, it has been classified as a Variant of Uncertain Significance. Algorithms developed to predict the effect of missense changes on protein structure and function (SIFT, PolyPhen-2, Align-GVGD) all suggest that this variant is likely to be tolerated. This variant has not been reported in the literature in individuals affected with BRIP1-related conditions. This variant is not present in population databases (gnomAD no frequency). This sequence change replaces threonine, which is neutral and polar, with isoleucine, which is neutral and non-polar, at codon 484 of the BRIP1 protein (p.Thr484Ile).

NM_032043.3(BRIP1):c.1451C>T (p.Thr484Ile)

Gene: BRIP1 (BRCA1 interacting DNA helicase 1; minus strand). Cytogenetic location: 17q23.2.
Variant type: single nucleotide variant.
Coding change: c.1451C>T on transcript NM_032043.3 (MANE Select); coding-DNA position 1451, C replaced by T.
Protein change: p.Thr484Ile; replaces threonine 484 with isoleucine.
Molecular consequence: missense variant.
Genome position (GRCh38, 1-based): chr17:61,793,619, G>A on the plus strand (C>T on the coding strand, the complement: BRIP1 is on the minus strand). VCF-style: chr17-61793619-G-A. GRCh37 (hg19) VCF-style: chr17-59870980-G-A.
Other names: short protein forms T484I.
Identifiers: ClinVar variation 1351043 (VCV001351043.10), dbSNP rs2145239872, ClinGen allele CA400482075.